The following is an entry in ClinVar:

ClinVar aggregate classification (germline): Uncertain significance (1 of 4 stars; one submission).

Conditions:
Hereditary cancer-predisposing syndrome. Also called: Neoplastic Syndromes, Hereditary; Tumor predisposition; Hereditary neoplastic syndrome; Hereditary Cancer Syndrome. Identifiers: Orphanet 140162, MedGen C0027672, MeSH D009386, MONDO:0015356.

Submission:

Ambry Genetics
Classification: Uncertain significance for Hereditary cancer-predisposing syndrome. Last evaluated: 2023-12-04. Review status: criteria provided, single submitter. Criteria: Ambry Variant Classification Scheme 2023. Collection method: clinical testing. Allele origin: germline.
Comment: The p.T222K variant (also known as c.665C>A), located in coding exon 1 of the MET gene, results from a C to A substitution at nucleotide position 665. The threonine at codon 222 is replaced by lysine, an amino acid with similar properties. This amino acid position is conserved. In addition, this alteration is predicted to be tolerated by in silico analysis. Since supporting evidence is limited at this time, the clinical significance of this alteration remains unclear.

NM_000245.4(MET):c.665C>A (p.Thr222Lys)

Gene: MET (MET proto-oncogene, receptor tyrosine kinase; plus strand). Cytogenetic location: 7q31.2.
Variant type: single nucleotide variant.
Coding change: c.665C>A on transcript NM_000245.4 (MANE Select); coding-DNA position 665, C replaced by A.
Protein change: p.Thr222Lys; replaces threonine 222 with lysine.
Molecular consequence: missense variant. On other transcripts: intron variant (1).
Genome position (GRCh38, 1-based): chr7:116,699,749, C>A. VCF-style: chr7-116699749-C-A. GRCh37 (hg19) VCF-style: chr7-116339803-C-A.
Other names: c.665C>A, p.Thr222Lys (NM_001127500.3, NM_001324401.3); c.-91+27172C>A (NM_001324402.2); short protein forms T222K.
Identifiers: ClinVar variation 3233006 (VCV003233006.1), dbSNP rs200776610, ClinGen allele CA368969573.